The following is an entry in ClinVar:

NM_000346.4(SOX9):c.347C>T (p.Ala116Val)

Genes: SOX9 (SRY-box transcription factor 9; plus strand), LOC108021846 (SOX9 promoter region; plus strand). Cytogenetic location: 17q24.3.
Variant type: single nucleotide variant.
Coding change: c.347C>T on transcript NM_000346.4 (MANE Select); coding-DNA position 347, C replaced by T.
Protein change: p.Ala116Val; replaces alanine 116 with valine.
Molecular consequence: missense variant.
Genome position (GRCh38, 1-based): chr17:72,121,738, C>T. VCF-style: chr17-72121738-C-T. GRCh37 (hg19) VCF-style: chr17-70117879-C-T.
Other names: short protein forms A116V.
Identifiers: ClinVar variation 1497400 (VCV001497400.7), dbSNP rs2143240212, ClinGen allele CA400866073.

ClinVar aggregate classification (germline): Uncertain significance. Review status: criteria provided, multiple submitters, no conflicts (2 of 4 stars). 2 submissions from 2 submitters: Uncertain significance (2). Last evaluated 2023-03-23.

Conditions:
Camptomelic dysplasia (CMPD). Also called: CMPD1/SRA1; Campomelic Dysplasia. Identifiers: Orphanet 140, MedGen C1861922, MONDO:0007251, OMIM 114290.

Submissions (2):

Blueprint Genetics
Classification: Uncertain significance. Last evaluated: 2023-03-23. Review status: criteria provided, single submitter. Criteria: ACMG Guidelines, 2015. Collection method: clinical testing. Allele origin: germline.

Labcorp Genetics (formerly Invitae), Labcorp
Classification: Uncertain significance for Camptomelic dysplasia. Last evaluated: 2022-08-15. Review status: criteria provided, single submitter. Criteria: Invitae Variant Classification Sherloc (09022015). Collection method: clinical testing. Allele origin: germline.
Comment: This sequence change replaces alanine, which is neutral and non-polar, with valine, which is neutral and non-polar, at codon 116 of the SOX9 protein (p.Ala116Val). In summary, the available evidence is currently insufficient to determine the role of this variant in disease. Therefore, it has been classified as a Variant of Uncertain Significance. Advanced modeling of protein sequence and biophysical properties (such as structural, functional, and spatial information, amino acid conservation, physicochemical variation, residue mobility, and thermodynamic stability) performed at Invitae indicates that this missense variant is expected to disrupt SOX9 protein function. ClinVar contains an entry for this variant (Variation ID: 1497400). This variant has not been reported in the literature in individuals affected with SOX9-related conditions. This variant is not present in population databases (gnomAD no frequency).